The following is an entry in ClinVar:

ClinVar aggregate classification (germline): Pathogenic (1 of 4 stars; one submission).

Submission:

GeneDx
Classification: Pathogenic. Last evaluated: 2018-08-23. Review status: criteria provided, single submitter. Criteria: GeneDx Variant Classification (06012015). Collection method: clinical testing. Allele origin: germline. Affected: yes.
Comment: The c.3677dupC variant in the NF1 gene causes a frameshift starting with codon Leucine 1227, changes this amino acid to a Serine residue and creates a premature Stop codon at position 12 of the new reading frame, denoted p.Leu1227SerfsX12. This variant is predicted to cause loss of normal protein function either through protein truncation or nonsense-mediated mRNA decay. The c.3677dupC variant is not observed in large population cohorts (Lek et al., 2016). Therefore, this variant is pathogenic.

NM_001042492.3(NF1):c.3677dup (p.Leu1227fs)

Gene: NF1 (neurofibromin 1; plus strand). Cytogenetic location: 17q11.2.
Variant type: Duplication.
Coding change: c.3677dup on transcript NM_001042492.3 (MANE Select); coding-DNA position 3677, one base duplicated (C; older notation c.3677dupC).
Protein change: p.Leu1227fs; shifts the reading frame from leucine 1227.
Molecular consequence: frameshift variant.
Genome position (GRCh38, 1-based): chr17:31,233,182, C duplicated. VCF-style (leftmost placement, unchanged base first): chr17-31233181-G-GC. GRCh37 (hg19) VCF-style: chr17-29560199-G-GC.
Other names: c.3677dupC (NM_000267.3); c.3677dup, p.Leu1227Serfs (NM_000267.4); short protein forms L1227fs.
Identifiers: ClinVar variation 561974 (VCV000561974.1), dbSNP rs1567851501, ClinGen allele CA658824757.